The following is an entry in ClinVar:

ClinVar aggregate classification (germline): Uncertain significance (1 of 4 stars; one submission).

Conditions:
Leigh syndrome (NULS). Also called: Leigh's necrotizing encephalopathy; Leigh's disease; Leigh Syndrome (mtDNA deletion); Leigh Disease; Subacute necrotizing encephalopathy; Necrotizing encephalopathy infantile subacute of Leigh. Identifiers: Orphanet 506, MedGen C2931891, MONDO:0009723, OMIM 256000.

Submission:

Wong Mito Lab, Molecular and Human Genetics, Baylor College of Medicine
Classification: Uncertain significance for Leigh syndrome. Last evaluated: 2019-10-17. Review status: criteria provided, single submitter. Criteria: Modified ACMG Guidelines (Unpublished). Collection method: clinical testing. Allele origin: germline.
Comment: The NC_012920.1:m.11498A>G (YP_003024035.1:p.Thr247Ala) variant in MTND4 gene is interpretated to be a Uncertain Significance variant based on the modified ACMG guidelines (unpublished). This variant meets the following evidence codes: PP7, BP4

NC_012920.1(MT-ND4):m.11498A>G

Gene: MT-ND4 (mitochondrially encoded NADH dehydrogenase 4; plus strand).
Variant type: single nucleotide variant.
Genome position: chrM-11498-A-G.
Identifiers: ClinVar variation 693368 (VCV000693368.1), dbSNP rs1603223309, ClinGen allele CA414810323.